The following is an entry in ClinVar:

ClinVar aggregate classification (germline): Likely benign (1 of 4 stars; one submission).

gnomAD v4.1: 72 of 1,586,340 alleles (0.0045%); highest among the groups gnomAD compares: African/African-American, 0.011%; no homozygotes.

Submission:

CeGaT Center for Human Genetics Tuebingen
Classification: Likely benign. Last evaluated: 2025-07-01. Review status: criteria provided, single submitter. Criteria: CeGaT Center For Human Genetics Tuebingen Variant Classification Criteria Version 2. Collection method: clinical testing. Allele origin: germline. Affected: yes. Observed: 1 variant allele.
Comment: TRIO: BP4, BP7

NM_007118.4(TRIO):c.7383C>T (p.Leu2461=)

Gene: TRIO (trio Rho guanine nucleotide exchange factor; plus strand). Cytogenetic location: 5p15.2.
Variant type: single nucleotide variant.
Coding change: c.7383C>T on transcript NM_007118.4 (MANE Select); coding-DNA position 7383, C replaced by T.
Protein change: p.Leu2461=; no amino-acid change (leucine 2461 retained).
Molecular consequence: synonymous variant.
Genome position (GRCh38, 1-based): chr5:14,488,011, C>T. VCF-style: chr5-14488011-C-T. GRCh37 (hg19) VCF-style: chr5-14488120-C-T.
Identifiers: ClinVar variation 4084316 (VCV004084316.8).